The following is an entry in ClinVar:

NM_001370259.2(MEN1):c.1533G>C (p.Val511=)

Gene: MEN1 (menin 1; minus strand). Cytogenetic location: 11q13.1.
Variant type: single nucleotide variant.
Coding change: c.1533G>C on transcript NM_001370259.2 (MANE Select); coding-DNA position 1533, G replaced by C.
Protein change: p.Val511=; no amino-acid change (valine 511 retained).
Molecular consequence: synonymous variant. On other transcripts: non-coding transcript variant (4).
Genome position (GRCh38, 1-based): chr11:64,804,634, C>G on the plus strand (G>C on the coding strand, the complement: MEN1 is on the minus strand). VCF-style: chr11-64804634-C-G. GRCh37 (hg19) VCF-style: chr11-64572106-C-G.
Other names: c.1548G>C, p.Val516= (NM_000244.4, NM_001407145.1, NM_130800.3 and 4 more transcripts); c.1659G>C, p.Val553= (NM_001370251.2, NM_001407142.1, NM_001407143.1 and 1 more transcripts); c.1533G>C, p.Val511= (NM_001370260.2, NM_001370261.2, NM_001407146.1 and 2 more transcripts); c.1428G>C, p.Val476= (NM_001370262.2, NM_001370263.2, NM_001407148.1 and 1 more transcripts); c.1674G>C, p.Val558= (NM_001407150.1); c.1554G>C, p.Val518= (NM_001407151.1); c.1368G>C, p.Val456= (NM_001407152.1).
Identifiers: ClinVar variation 3048111 (VCV003048111.2), dbSNP rs2497116427, ClinGen allele CA475163007.

ClinVar aggregate classification (germline): Likely benign (0 of 4 stars; one submission).

Conditions:
MEN1-related disorder. Also called: MEN1-related condition.

Submission:

PreventionGenetics, part of Exact Sciences
Classification: Likely benign for MEN1-related condition. Last evaluated: 2022-09-13. Review status: no assertion criteria provided. Collection method: clinical testing. Allele origin: germline.
Comment: This variant is classified as likely benign based on ACMG/AMP sequence variant interpretation guidelines (Richards et al. 2015 PMID: 25741868, with internal and published modifications).